The following is an entry in ClinVar:

NM_002485.5(NBN):c.872A>G (p.Gln291Arg)

Gene: NBN (nibrin; minus strand). Cytogenetic location: 8q21.3.
Variant type: single nucleotide variant.
Coding change: c.872A>G on transcript NM_002485.5 (MANE Select); coding-DNA position 872, A replaced by G.
Protein change: p.Gln291Arg; replaces glutamine 291 with arginine.
Molecular consequence: missense variant.
Genome position (GRCh38, 1-based): chr8:89,970,388, T>C on the plus strand (A>G on the coding strand, the complement: NBN is on the minus strand). VCF-style: chr8-89970388-T-C. GRCh37 (hg19) VCF-style: chr8-90982616-T-C.
Other names: c.626A>G, p.Gln209Arg (NM_001024688.3); short protein forms Q291R, Q209R.
Identifiers: ClinVar variation 134877 (VCV000134877.27), dbSNP rs587778547, ClinGen allele CA160996.

ClinVar aggregate classification (germline): Uncertain significance. Review status: criteria provided, multiple submitters, no conflicts (2 of 4 stars). 6 submissions from 6 submitters: Uncertain significance (3). 3 of the submissions do not count toward it. Last evaluated 2024-04-10.

Conditions:
Hereditary cancer-predisposing syndrome. Also called: Tumor predisposition; Hereditary neoplastic syndrome; Neoplastic Syndromes, Hereditary; Hereditary Cancer Syndrome. Identifiers: Orphanet 140162, MedGen C0027672, MeSH D009386, MONDO:0015356.
Microcephaly, normal intelligence and immunodeficiency (NBS). Also called: BERLIN BREAKAGE SYNDROME; IMMUNODEFICIENCY, MICROCEPHALY, AND CHROMOSOMAL INSTABILITY; Ataxia telangiectasia variant V1; SEEMANOVA SYNDROME II; Immunodeficiency, microcephaly with normal intelligence; Nijmegen breakage syndrome. Identifiers: Orphanet 647, MedGen C0398791, MONDO:0009623, OMIM 251260.

gnomAD v4.1: 2 of 1,612,990 alleles (0.00012%); highest among the groups gnomAD compares: Non-Finnish European, 0.00017%; no homozygotes.

Submissions (6):

Labcorp Genetics (formerly Invitae), Labcorp
Classification: Uncertain significance for Microcephaly, normal intelligence and immunodeficiency. Last evaluated: 2024-04-10. Review status: criteria provided, single submitter. Criteria: Invitae Variant Classification Sherloc (09022015). Collection method: clinical testing. Allele origin: germline.
Comment: This sequence change replaces glutamine, which is neutral and polar, with arginine, which is basic and polar, at codon 291 of the NBN protein (p.Gln291Arg). This variant is not present in population databases (gnomAD no frequency). This variant has not been reported in the literature in individuals affected with NBN-related conditions. ClinVar contains an entry for this variant (Variation ID: 134877). Algorithms developed to predict the effect of missense changes on protein structure and function output the following: SIFT: "Not Available"; PolyPhen-2: "Benign"; Align-GVGD: "Not Available". The arginine amino acid residue is found in multiple mammalian species, which suggests that this missense change does not adversely affect protein function. In summary, the available evidence is currently insufficient to determine the role of this variant in disease. Therefore, it has been classified as a Variant of Uncertain Significance.

Ambry Genetics
Classification: Uncertain significance for Hereditary cancer-predisposing syndrome. Last evaluated: 2023-05-15. Review status: criteria provided, single submitter. Criteria: Ambry Variant Classification Scheme 2023. Collection method: clinical testing. Allele origin: germline.
Comment: The p.Q291R variant (also known as c.872A>G), located in coding exon 7 of the NBN gene, results from an A to G substitution at nucleotide position 872. The glutamine at codon 291 is replaced by arginine, an amino acid with highly similar properties. In one study, this alteration was observed in 1/3236 cases with invasive epithelial ovarian cancer and 3/3431 controls (Ramus SJ et al. J Natl Cancer Inst, 2015 Nov;107:). This amino acid position is poorly conserved in available vertebrate species. In addition, this alteration is predicted to be tolerated by in silico analysis. Since supporting evidence is limited at this time, the clinical significance of this alteration remains unclear.

Genome-Nilou Lab
Classification: Uncertain significance for Microcephaly, normal intelligence and immunodeficiency. Last evaluated: 2021-11-07. Review status: criteria provided, single submitter. Criteria: ACMG Guidelines, 2015. Collection method: clinical testing. Allele origin: germline. Affected: no.

Natera, Inc.
Classification: Uncertain significance for Nijmegen breakage syndrome. Last evaluated: 2021-03-29. Review status: no assertion criteria provided. Collection method: clinical testing. Allele origin: germline. Not counted in ClinVar's aggregate classification.

Counsyl
Classification: Uncertain significance for Microcephaly, normal intelligence and immunodeficiency. Last evaluated: 2017-04-13. Review status: no assertion criteria provided. Collection method: clinical testing. Allele origin: unknown. Not counted in ClinVar's aggregate classification.

ITMI
No classification provided. Condition: AllHighlyPenetrant. Last evaluated: 2013-09-19. Review status: no classification provided. Collection method: reference population. Allele origin: germline. Not counted in ClinVar's aggregate classification.
Comment: Please see associated publication for description of ethnicities

Literature cited by the submitters: PubMed 24728327 (cited by 3 submitters); PubMed 26315354 (cited by Ambry Genetics); PubMed 31512090 (cited by Ambry Genetics).